The following is an entry in ClinVar:

NM_000465.4(BARD1):c.2243A>G (p.Glu748Gly)

Gene: BARD1 (BRCA1 associated RING domain 1; minus strand). Cytogenetic location: 2q35.
Variant type: single nucleotide variant.
Coding change: c.2243A>G on transcript NM_000465.4 (MANE Select); coding-DNA position 2243, A replaced by G.
Protein change: p.Glu748Gly; replaces glutamic acid 748 with glycine.
Molecular consequence: missense variant. On other transcripts: non-coding transcript variant (3).
Genome position (GRCh38, 1-based): chr2:214,728,767, T>C on the plus strand (A>G on the coding strand, the complement: BARD1 is on the minus strand). VCF-style: chr2-214728767-T-C. GRCh37 (hg19) VCF-style: chr2-215593491-T-C.
Other names: c.2186A>G, p.Glu729Gly (NM_001282543.2); c.890A>G, p.Glu297Gly (NM_001282545.2); c.833A>G, p.Glu278Gly (NM_001282548.2); c.704A>G, p.Glu235Gly (NM_001282549.2); c.2243A>G (NM_000465.2); short protein forms E748G, E235G, E278G, E297G, E729G.
Identifiers: ClinVar variation 530037 (VCV000530037.16), dbSNP rs1553612068, ClinGen allele CA350450013.

ClinVar aggregate classification (germline): Uncertain significance. Review status: criteria provided, multiple submitters, no conflicts (2 of 4 stars). 3 submissions from 3 submitters: Uncertain significance (3). Last evaluated 2023-12-04.

Conditions:
Familial cancer of breast. Also called: BREAST CANCER, FAMILIAL; Hereditary breast cancer; hereditary breast carcinoma. Identifiers: Orphanet 227535, MedGen C0346153, MONDO:0016419, OMIM 114480. Disease mechanism: loss of function.
Hereditary cancer-predisposing syndrome. Also called: Hereditary neoplastic syndrome; Neoplastic Syndromes, Hereditary; Hereditary Cancer Syndrome; Tumor predisposition. Identifiers: Orphanet 140162, MedGen C0027672, MeSH D009386, MONDO:0015356.

Submissions (3):

Color Diagnostics, LLC DBA Color Health
Classification: Uncertain significance for Hereditary cancer-predisposing syndrome. Last evaluated: 2023-12-04. Review status: criteria provided, single submitter. Criteria: ACMG Guidelines, 2015. Collection method: clinical testing. Allele origin: germline.
Comment: This missense variant replaces glutamic acid with glycine at codon 748 of the BARD1 protein. Computational prediction suggests that this variant may not impact protein structure and function (internally defined REVEL score threshold <= 0.5, PMID: 27666373). To our knowledge, functional studies have not been reported for this variant. This variant has not been reported in individuals affected with BARD1-related disorders in the literature. This variant has not been identified in the general population by the Genome Aggregation Database (gnomAD). The available evidence is insufficient to determine the role of this variant in disease conclusively. Therefore, this variant is classified as a Variant of Uncertain Significance.

Ambry Genetics
Classification: Uncertain significance for Hereditary cancer-predisposing syndrome. Last evaluated: 2022-10-08. Review status: criteria provided, single submitter. Criteria: Ambry Variant Classification Scheme 2023. Collection method: clinical testing. Allele origin: germline.
Comment: The p.E748G variant (also known as c.2243A>G), located in coding exon 11 of the BARD1 gene, results from an A to G substitution at nucleotide position 2243. The glutamic acid at codon 748 is replaced by glycine, an amino acid with similar properties. This amino acid position is conserved. In addition, this alteration is predicted to be tolerated by in silico analysis. Since supporting evidence is limited at this time, the clinical significance of this alteration remains unclear.

Labcorp Genetics (formerly Invitae), Labcorp
Classification: Uncertain significance for Familial cancer of breast. Last evaluated: 2017-08-16. Review status: criteria provided, single submitter. Criteria: Invitae Variant Classification Sherloc (09022015). Collection method: clinical testing. Allele origin: germline.
Comment: In summary, the available evidence is currently insufficient to determine the role of this variant in disease. Therefore, it has been classified as a Variant of Uncertain Significance. Algorithms developed to predict the effect of missense changes on protein structure and function do not agree on the potential impact of this missense change (SIFT: "Deleterious"; PolyPhen-2: "Benign"; Align-GVGD: "Class C0"). This variant has not been reported in the literature in individuals with BARD1-related disease. This variant is not present in population databases (ExAC no frequency). This sequence change replaces glutamic acid with glycine at codon 748 of the BARD1 protein (p.Glu748Gly). The glutamic acid residue is highly conserved and there is a moderate physicochemical difference between glutamic acid and glycine.